The following is an entry in ClinVar:

ClinVar aggregate classification (germline): Benign. Review status: criteria provided, multiple submitters, no conflicts (2 of 4 stars). 7 submissions from 7 submitters: Benign (6). 1 of the submissions does not count toward it. Last evaluated 2026-02-04.

Conditions:
Donnai-Barrow syndrome. Also called: DBS/FOAR SYNDROME; FACIOOCULOACOUSTICORENAL SYNDROME. Identifiers: Orphanet 2143, MedGen C1857277, MONDO:0009104, OMIM 222448.

Allele frequency attached by ClinVar (database versions not stated): gnomAD exomes 0.02260 and 0.02938; ExAC 0.03157; TOPMed 0.03637; gnomAD 0.03825 and 0.03848; ESP Exome Variant Server 0.03990; 1000 Genomes Project 0.04233; 1000 Genomes Project 30x 0.04294.
gnomAD v4.1: 38,925 of 1,614,134 alleles (2.4%); highest among the groups gnomAD compares: African/African-American, 7.6%; 724 homozygotes.

Submissions (7):

Labcorp Genetics (formerly Invitae), Labcorp
Classification: Benign. Last evaluated: 2026-02-04. Review status: criteria provided, single submitter. Criteria: Invitae Variant Classification Sherloc (09022015). Collection method: clinical testing. Allele origin: germline.

Mayo Clinic Laboratories, Mayo Clinic
Classification: Benign. Last evaluated: 2022-11-10. Review status: criteria provided, single submitter. Criteria: ACMG Guidelines, 2015. Collection method: clinical testing. Allele origin: germline. Observed: 6 variant alleles.

Genome-Nilou Lab
Classification: Benign for Donnai-Barrow syndrome. Last evaluated: 2021-07-15. Review status: criteria provided, single submitter. Criteria: ACMG Guidelines, 2015. Collection method: clinical testing. Allele origin: germline. Affected: no.

GeneDx
Classification: Benign. Last evaluated: 2021-01-07. Review status: criteria provided, single submitter. Criteria: GeneDx Variant Classification Process June 2021. Collection method: clinical testing. Allele origin: germline. Affected: yes.

Illumina Laboratory Services, Illumina
Classification: Benign for Donnai-Barrow syndrome. Last evaluated: 2018-01-13. Review status: criteria provided, single submitter. Criteria: ICSL Variant Classification Criteria 13 December 2019. Collection method: clinical testing. Allele origin: germline.
Comment: This variant was observed in the ICSL laboratory as part of a predisposition screen in an ostensibly healthy population. It had not been previously curated by ICSL or reported in the Human Gene Mutation Database (HGMD: prior to June 1st, 2018), and was therefore a candidate for classification through an automated scoring system. Utilizing variant allele frequency, disease prevalence and penetrance estimates, and inheritance mode, an automated score was calculated to assess if this variant is too frequent to cause the disease. Based on the score and internal cut-off values, a variant classified as benign is not then subjected to further curation. The score for this variant resulted in a classification of benign for this disease.

Breakthrough Genomics
Classification: Benign. Review status: criteria provided, single submitter. Criteria: ACMG Guidelines, 2015. Collection method: not provided. Allele origin: germline. Inheritance: Autosomal recessive inheritance. Affected: yes.

Genetic Services Laboratory, University of Chicago
Classification: Likely benign for AllHighlyPenetrant. Review status: no assertion criteria provided. Collection method: clinical testing. Allele origin: germline. Inheritance: Autosomal recessive inheritance. Not counted in ClinVar's aggregate classification.
Comment: Likely benign based on allele frequency in 1000 Genomes Project or ESP global frequency and its presence in a patient with a rare or unrelated disease phenotype. NOT Sanger confirmed.

NM_004525.3(LRP2):c.3836A>C (p.Asp1279Ala)

Gene: LRP2 (LDL receptor related protein 2; minus strand). Cytogenetic location: 2q31.1.
Variant type: single nucleotide variant.
Coding change: c.3836A>C on transcript NM_004525.3 (MANE Select); coding-DNA position 3836, A replaced by C.
Protein change: p.Asp1279Ala; replaces aspartic acid 1279 with alanine.
Molecular consequence: missense variant.
Genome position (GRCh38, 1-based): chr2:169,241,197, T>G on the plus strand (A>C on the coding strand, the complement: LRP2 is on the minus strand). VCF-style: chr2-169241197-T-G. GRCh37 (hg19) VCF-style: chr2-170097707-T-G.
Other names: short protein forms D1279A.
Identifiers: ClinVar variation 129520 (VCV000129520.22), dbSNP rs17848149, ClinGen allele CA153580.